The following is an entry in ClinVar:

NM_001347721.2(DYRK1A):c.1224dup (p.Pro409fs)

Gene: DYRK1A (dual specificity tyrosine phosphorylation regulated kinase 1A; plus strand). Cytogenetic location: 21q22.13.
Variant type: Duplication.
Coding change: c.1224dup on transcript NM_001347721.2 (MANE Select); coding-DNA position 1224, one base duplicated (A; older notation c.1224dupA).
Protein change: p.Pro409fs; shifts the reading frame from proline 409.
Molecular consequence: frameshift variant.
Genome position (GRCh38, 1-based): chr21:37,505,294, A duplicated. VCF-style (leftmost placement, unchanged base first): chr21-37505293-C-CA. GRCh37 (hg19) VCF-style: chr21-38877596-C-CA.
Other names: c.1224dup, p.Pro409fs (NM_001347722.2, NM_130436.2); c.1137dup, p.Pro380fs (NM_001347723.2); c.1251dup, p.Pro418fs (NM_001396.5, NM_101395.2, NM_130438.2); short protein forms P380fs, P409fs, P418fs.
Identifiers: ClinVar variation 1709969 (VCV001709969.2), dbSNP rs2518073567, ClinGen allele CA2580098704.

ClinVar aggregate classification (germline): Likely pathogenic (1 of 4 stars; one submission).

Conditions:
DYRK1A-related intellectual disability syndrome (MRD7). Also called: DYRK1A Syndrome; Intellectual developmental disorder, autosomal dominant 7. Identifiers: Orphanet 464306, MedGen C5568143, MONDO:0013578, OMIM 614104.

Submission:

MGZ Medical Genetics Center
Classification: Likely pathogenic for DYRK1A-related intellectual disability syndrome. Last evaluated: 2021-10-19. Review status: criteria provided, single submitter. Criteria: ACMG Guidelines, 2015. Collection method: clinical testing. Allele origin: germline. Affected: yes. Observed: 1 variant allele.
Comment: ACMG criteria applied: PVS1, PM2_SUP